The following is an entry in ClinVar:

NM_000228.3(LAMB3):c.490dup (p.Arg164fs)

Gene: LAMB3 (laminin subunit beta 3; minus strand). Cytogenetic location: 1q32.2.
Variant type: Duplication.
Coding change: c.490dup on transcript NM_000228.3 (MANE Select); coding-DNA position 490, one base duplicated (C; older notation c.490dupC).
Protein change: p.Arg164fs; shifts the reading frame from arginine 164.
Molecular consequence: frameshift variant.
Genome position (GRCh38, 1-based): chr1:209,634,521, G duplicated on the plus strand (C on the coding strand, the reverse complement: LAMB3 is on the minus strand). VCF-style (leftmost placement, unchanged base first): chr1-209634520-C-CG. GRCh37 (hg19) VCF-style: chr1-209807865-C-CG.
Other names: c.490dup, p.Arg164fs (NM_001017402.2, NM_001127641.1); short protein forms R164fs.
Identifiers: ClinVar variation 5012039 (VCV005012039.1).

ClinVar aggregate classification (germline): Pathogenic (1 of 4 stars; one submission).

Conditions:
Junctional epidermolysis bullosa. Identifiers: Orphanet 305, MedGen C0079301, MONDO:0017612.

Submission:

Myriad Genetics, Inc.
Classification: Pathogenic for Junctional epidermolysis bullosa. Last evaluated: 2023-09-27. Review status: criteria provided, single submitter. Criteria: Myriad Autosomal Dominant, Autosomal Recessive and X-Linked Classification Criteria (2023). Collection method: clinical testing. Allele origin: unknown.
Comment: NM_000228.2(LAMB3):c.490dupC(R164Pfs*18) is expected to be pathogenic in the context of junctional epidermolysis bullosa, LAMB3-related. This variant is predicted to lead to an abnormal or absent protein product due to the creation of a premature termination codon in LAMB3, a gene where loss-of-function variants are known to be pathogenic. Please note: this variant was assessed in the context of healthy population screening.